The following is an entry in ClinVar:

NM_006912.6(RIT1):c.-43-86T>C

Gene: RIT1 (Ras like without CAAX 1; minus strand). Cytogenetic location: 1q22.
Variant type: single nucleotide variant.
Coding change: c.-43-86T>C on transcript NM_006912.6 (MANE Select); 86 bases into the intron before 43 bases upstream of the start codon, T replaced by C.
Molecular consequence: intron variant. On other transcripts: 5 prime UTR variant (1).
Genome position (GRCh38, 1-based): chr1:155,910,890, A>G on the plus strand (T>C on the coding strand, the complement: RIT1 is on the minus strand). VCF-style: chr1-155910890-A-G. GRCh37 (hg19) VCF-style: chr1-155880681-A-G.
Other names: c.-5T>C (NM_001256821.2); c.-3+353T>C (NM_001256820.2).
Identifiers: ClinVar variation 3052813 (VCV003052813.2), dbSNP rs767822483, ClinGen allele CA1151936.
Genomic context (GRCh38, chr1:155,910,890, plus strand): 5'-ATCCAGGATGGAGACACCACGGCGACAGCCCTCAAGCCAGTGCCTTACCTTTCCATACAT[A>G]TTCTGGCCTGTCCCTCTTACTCTGGCCTGTCCCTCTTGCTCACCACTGCACCCTTTCGGG-3'

ClinVar aggregate classification (germline): Likely benign (0 of 4 stars; one submission).

Conditions:
RIT1-related disorder. Also called: RIT1-related condition.

Allele frequency attached by ClinVar (database versions not stated): TOPMed 0.00002; gnomAD 0.00003.
gnomAD v4.1: 28 of 1,571,266 alleles (0.0018%); highest among the groups gnomAD compares: Non-Finnish European, 0.0024%; no homozygotes.

Submission:

PreventionGenetics, part of Exact Sciences
Classification: Likely benign for RIT1-related condition. Last evaluated: 2019-09-04. Review status: no assertion criteria provided. Collection method: clinical testing. Allele origin: germline.
Comment: This variant is classified as likely benign based on ACMG/AMP sequence variant interpretation guidelines (Richards et al. 2015 PMID: 25741868, with internal and published modifications).